The following is an entry in ClinVar:

NM_000277.3(PAH):c.456T>C (p.Pro152=)

Gene: PAH (phenylalanine hydroxylase; minus strand). Cytogenetic location: 12q23.2.
Variant type: single nucleotide variant.
Coding change: c.456T>C on transcript NM_000277.3 (MANE Select); coding-DNA position 456, T replaced by C.
Protein change: p.Pro152=; no amino-acid change (proline 152 retained).
Molecular consequence: synonymous variant.
Genome position (GRCh38, 1-based): chr12:102,866,649, A>G on the plus strand (T>C on the coding strand, the complement: PAH is on the minus strand). VCF-style: chr12-102866649-A-G. GRCh37 (hg19) VCF-style: chr12-103260427-A-G.
Other names: NM_000277.3(PAH):c.456T>C; p.Pro152=; c.456T>C, p.Pro152= (NM_001354304.2).
Identifiers: ClinVar variation 725756 (VCV000725756.12), dbSNP rs377244118, ClinGen allele CA242485549.

ClinVar aggregate classification (germline): Uncertain significance. Review status: reviewed by expert panel (3 of 4 stars). 3 submissions from 3 submitters: Uncertain significance (1). 2 of the submissions do not count toward it. Last evaluated 2023-07-23.

Conditions:
Phenylketonuria (PKU). Also called: Phenylketonuria (PKU); Phenylketonurias; FOLLING DISEASE; OLIGOPHRENIA PHENYLPYRUVICA. Identifiers: Orphanet 716, MedGen C0031485, MONDO:0009861, OMIM 261600. Disease mechanism: loss of function.

Allele frequency attached by ClinVar (database versions not stated): TOPMed 0.00001.
gnomAD v4.1: 1 of 1,613,652 alleles (0.000062%); no homozygotes.

Submissions (3):

ClinGen PAH Variant Curation Expert Panel
Classification: Uncertain significance for Phenylketonuria. Last evaluated: 2023-07-23. Review status: reviewed by expert panel. Criteria: ClinGen PAH ACMG Specifications v1. Collection method: curation. Allele origin: germline. Inheritance: Autosomal recessive inheritance.
Comment: The NM_000277.3:c.456T>C variant in PAH is a synonymous (silent) variant (p.Pro152=) that is not predicted to impact splicing. To our knowledge, this variant has not been reported in the literature and results of functional studies are unavailable. This variant is absent in gnomAD v2.1.1 (PM2_Supporting). There is a ClinVar entry for this variant (Variation ID: 725756, 1 star review status) with one submitter classifying the variant as a variant of uncertain significance and one submitter classifying the variant as likely benign. In summary, this variant meets the criteria to be classified as a variant of uncertain significance for PAH deficiency based on the ACMG/AMP criteria applied, as specified by the ClinGen PAH Variant Curation Expert Panel (Specifications Version 2.0): PM2_Supporting.

Labcorp Genetics (formerly Invitae), Labcorp
Classification: Likely benign for Phenylketonuria. Last evaluated: 2026-01-15. Review status: criteria provided, single submitter. Criteria: Invitae Variant Classification Sherloc (09022015). Collection method: clinical testing. Allele origin: germline. Not counted in ClinVar's aggregate classification.

Natera, Inc.
Classification: Uncertain significance for Phenylketonuria. Last evaluated: 2020-01-24. Review status: no assertion criteria provided. Collection method: clinical testing. Allele origin: germline. Not counted in ClinVar's aggregate classification.